The following is an entry in ClinVar:

NM_015570.4(AUTS2):c.1141C>A (p.His381Asn)

Gene: AUTS2 (activator of transcription and developmental regulator AUTS2; plus strand). Cytogenetic location: 7q11.22.
Variant type: single nucleotide variant.
Coding change: c.1141C>A on transcript NM_015570.4 (MANE Select); coding-DNA position 1141, C replaced by A.
Protein change: p.His381Asn; replaces histidine 381 with asparagine.
Molecular consequence: missense variant.
Genome position (GRCh38, 1-based): chr7:70,763,268, C>A. VCF-style: chr7-70763268-C-A. GRCh37 (hg19) VCF-style: chr7-70228254-C-A.
Other names: c.1141C>A, p.His381Asn (NM_001127231.3); short protein forms H381N.
Identifiers: ClinVar variation 4881254 (VCV004881254.2).
Genomic context (GRCh38, chr7:70,763,268, plus strand): 5'-CCACCCAGGCCACAGTCCCCCACCCAGCTGCTCCATCAGAACCTCCCACCTGTGCAGGCC[C>A]ACCCCTCTGCTCAGAGCCTCTCCCAGCCATTGTCAGCCTACAACAGCAGTAGCTTAAGCC-3'
Protein context (NP_056385.1, residues 371-391): LHQNLPPVQA[His381Asn]PSAQSLSQPL

ClinVar aggregate classification (germline): Uncertain significance (1 of 4 stars; one submission).

Submission:

Dasa
Classification: Uncertain significance. Last evaluated: 2024-06-17. Review status: criteria provided, single submitter. Criteria: DASA Assertion Criteria. Collection method: clinical testing. Allele origin: germline.
Comment: NM_015570.4(AUTS2):c.1141C>A (p.His381Asn) is a missense variant that results in the substitution of histidine with asparagine. This variant is rare in population databases. Computational prediction algorithms are consistent with a benign effect. The currently available literature and clinical evidence are not sufficient to establish a definitive association between this variant and the reported condition. Therefore, this variant is classified as a variant of uncertain significance.